The following is an entry in ClinVar:

ClinVar aggregate classification (germline): Uncertain significance. Review status: criteria provided, multiple submitters, no conflicts (2 of 4 stars). 2 submissions from 2 submitters: Uncertain significance (2). Last evaluated 2024-08-15.

Submissions (2):

Labcorp Genetics (formerly Invitae), Labcorp
Classification: Uncertain significance. Last evaluated: 2024-08-15. Review status: criteria provided, single submitter. Criteria: Invitae Variant Classification Sherloc (09022015). Collection method: clinical testing. Allele origin: germline.
Comment: This variant, c.566_568del, results in the deletion of 1 amino acid(s) of the PRPF31 protein (p.Glu189del), but otherwise preserves the integrity of the reading frame. This variant is not present in population databases (gnomAD no frequency). This variant has been observed in individual(s) with clinical features of inherited retinal dystrophy (Invitae). Experimental studies and prediction algorithms are not available or were not evaluated, and the functional significance of this variant is currently unknown. In summary, the available evidence is currently insufficient to determine the role of this variant in disease. Therefore, it has been classified as a Variant of Uncertain Significance.

Blueprint Genetics
Classification: Uncertain significance. Last evaluated: 2021-08-06. Review status: criteria provided, single submitter. Criteria: ACMG Guidelines, 2015. Collection method: clinical testing. Allele origin: germline.

NM_015629.4(PRPF31):c.563AGG[1] (p.Glu189del)

Gene: PRPF31 (pre-mRNA processing factor 31; plus strand). Cytogenetic location: 19q13.42.
Variant type: Microsatellite.
Coding change: c.563AGG[1] on transcript NM_015629.4 (MANE Select); one copy of the 3-base unit AGG starting at c.563; the reference has two copies in a row; one copy, 3 bases deleted.
Protein change: p.Glu189del; deletes glutamic acid 189.
Molecular consequence: inframe deletion.
Genome position (GRCh38, 1-based): chr19:54,123,787-54,123,789, AGG deleted; deleting any 3 consecutive bases within chr19:54,123,782-54,123,789 gives the same sequence; the position shown is the placement nearest the transcript's 3' end. VCF-style (leftmost placement, unchanged base first): chr19-54123781-TGGA-T. GRCh37 (hg19) VCF-style: chr19-54627160-TGGA-T.
Other names: short protein forms E189del.
Identifiers: ClinVar variation 1406722 (VCV001406722.7), dbSNP rs2146420765, ClinGen allele CA2580614967.